The following is an entry in ClinVar:

NM_015338.6(ASXL1):c.3308C>A (p.Ala1103Asp)

Gene: ASXL1 (ASXL transcriptional regulator 1; plus strand). Cytogenetic location: 20q11.21.
Variant type: single nucleotide variant.
Coding change: c.3308C>A on transcript NM_015338.6 (MANE Select); coding-DNA position 3308, C replaced by A.
Protein change: p.Ala1103Asp; replaces alanine 1103 with aspartic acid.
Molecular consequence: missense variant.
Genome position (GRCh38, 1-based): chr20:32,436,020, C>A. VCF-style: chr20-32436020-C-A. GRCh37 (hg19) VCF-style: chr20-31023823-C-A.
Other names: c.3125C>A, p.Ala1042Asp (NM_001363734.1); short protein forms A1042D, A1103D.
Identifiers: ClinVar variation 4825242 (VCV004825242.1).

ClinVar aggregate classification (germline): Uncertain significance (1 of 4 stars; one submission).

Conditions:
Inborn genetic diseases. Identifiers: MedGen C0950123, MeSH D030342.

Submission:

Ambry Genetics
Classification: Uncertain significance for Inborn genetic diseases. Last evaluated: 2026-02-19. Review status: criteria provided, single submitter. Criteria: Ambry Variant Classification Scheme 2023. Collection method: clinical testing. Allele origin: germline.
Comment: The p.A1103D variant (also known as c.3308C>A), located in coding exon 13 of the ASXL1 gene, results from a C to A substitution at nucleotide position 3308. The alanine at codon 1103 is replaced by aspartic acid, an amino acid with dissimilar properties. This amino acid position is conserved. In addition, this alteration is predicted to be tolerated by in silico analysis. Based on the available evidence, the clinical significance of this variant remains unclear.